The following is an entry in ClinVar:

NM_001001344.3(ATP2B3):c.540G>A (p.Lys180=)

Gene: ATP2B3 (ATPase plasma membrane Ca2+ transporting 3; plus strand). Cytogenetic location: Xq28.
Variant type: single nucleotide variant.
Coding change: c.540G>A on transcript NM_001001344.3 (MANE Select); coding-DNA position 540, G replaced by A.
Protein change: p.Lys180=; no amino-acid change (lysine 180 retained).
Molecular consequence: synonymous variant.
Genome position (GRCh38, 1-based): chrX:153,541,802, G>A. VCF-style: chrX-153541802-G-A. GRCh37 (hg19) VCF-style: chrX-152807260-G-A.
Other names: c.540G>A, p.Lys180= (NM_001388360.1, NM_001388361.1, NM_001388362.1 and 2 more transcripts).
Identifiers: ClinVar variation 2661696 (VCV002661696.24), dbSNP rs782483592, ClinGen allele CA10547506.

ClinVar aggregate classification (germline): Likely benign (1 of 4 stars; one submission).

Allele frequency attached by ClinVar (database versions not stated): ExAC 0.00001; gnomAD 0.00002; TOPMed 0.00002; gnomAD exomes 0.00005.
gnomAD v4.1: 54 of 1,209,957 alleles (0.0045%); highest among the groups gnomAD compares: Non-Finnish European, 0.0056%; no homozygotes.

Submission:

CeGaT Center for Human Genetics Tuebingen
Classification: Likely benign. Last evaluated: 2023-10-01. Review status: criteria provided, single submitter. Criteria: CeGaT Center For Human Genetics Tuebingen Variant Classification Criteria Version 2. Collection method: clinical testing. Allele origin: germline. Affected: yes. Observed: 1 variant allele.
Comment: ATP2B3: PM2:Supporting, BP4, BP7